The following is an entry in ClinVar:

NM_006005.3(WFS1):c.978G>A (p.Ala326=)

Gene: WFS1 (wolframin ER transmembrane glycoprotein; plus strand). Cytogenetic location: 4p16.1.
Variant type: single nucleotide variant.
Coding change: c.978G>A on transcript NM_006005.3 (MANE Select); coding-DNA position 978, G replaced by A.
Protein change: p.Ala326=; no amino-acid change (alanine 326 retained).
Molecular consequence: synonymous variant.
Genome position (GRCh38, 1-based): chr4:6,300,773, G>A. VCF-style: chr4-6300773-G-A. GRCh37 (hg19) VCF-style: chr4-6302500-G-A.
Other names: c.978G>A, p.Ala326= (NM_001145853.1).
Identifiers: ClinVar variation 1601284 (VCV001601284.10), dbSNP rs371404867, ClinGen allele CA2839180.

ClinVar aggregate classification (germline): Benign/Likely benign. Review status: criteria provided, multiple submitters, no conflicts (2 of 4 stars). 3 submissions from 3 submitters: Benign (1); Likely benign (2). Last evaluated 2025-12-12.

Conditions:
WFS1-related disorder. Identifiers: MedGen CN379391, MONDO:0700293.

Allele frequency attached by ClinVar (database versions not stated): gnomAD exomes 0.00013; ExAC 0.00016; 1000 Genomes Project 0.00020; 1000 Genomes Project 30x 0.00031.
gnomAD v4.1: 89 of 1,613,984 alleles (0.0055%); highest among the groups gnomAD compares: South Asian, 0.075%; 1 homozygote.

Submissions (3):

PreventionGenetics, part of Exact Sciences
Classification: Likely benign for WFS1-related condition. Last evaluated: 2025-12-12. Review status: criteria provided, single submitter. Criteria: ACMG Guidelines, 2015. Collection method: clinical testing. Allele origin: germline.
Comment: This variant is classified as likely benign based on ACMG/AMP sequence variant interpretation guidelines (Richards et al. 2015 PMID: 25741868, with internal and published modifications).

Labcorp Genetics (formerly Invitae), Labcorp
Classification: Benign. Last evaluated: 2025-04-30. Review status: criteria provided, single submitter. Criteria: Invitae Variant Classification Sherloc (09022015). Collection method: clinical testing. Allele origin: germline.

Blueprint Genetics
Classification: Likely benign. Last evaluated: 2024-04-25. Review status: criteria provided, single submitter. Criteria: ACMG Guidelines, 2015. Collection method: clinical testing. Allele origin: germline.